The following is an entry in ClinVar:

NM_000535.7(PMS2):c.1360_1361delinsTC (p.Leu454Ser)

Gene: PMS2 (PMS1 homolog 2, mismatch repair system component; minus strand). Cytogenetic location: 7p22.1.
Variant type: Indel.
Coding change: c.1360_1361delinsTC on transcript NM_000535.7 (MANE Select); coding-DNA positions 1360 to 1361, CT replaced by TC.
Protein change: p.Leu454Ser; replaces leucine 454 with serine.
Molecular consequence: missense variant. On other transcripts: non-coding transcript variant (1).
Genome position (GRCh38, 1-based): chr7:5,987,404-5,987,405, AG replaced by GA on the plus strand (CT replaced by TC on the coding strand, the reverse complement: PMS2 is on the minus strand). VCF-style: chr7-5987404-AG-GA. GRCh37 (hg19) VCF-style: chr7-6027035-AG-GA.
Other names: c.955_956delinsTC, p.Leu319Ser (NM_001322003.2, NM_001322004.2, NM_001322005.2 and 1 more transcripts); c.1204_1205delinsTC, p.Leu402Ser (NM_001322006.2); c.1042_1043delinsTC, p.Leu348Ser (NM_001322007.2, NM_001322008.2); c.799_800delinsTC, p.Leu267Ser (NM_001322010.2); c.427_428delinsTC, p.Leu143Ser (NM_001322011.2, NM_001322012.2); c.787_788delinsTC, p.Leu263Ser (NM_001322013.2); c.1360_1361delinsTC, p.Leu454Ser (NM_001322014.2); c.1051_1052delinsTC, p.Leu351Ser (NM_001322015.2); short protein forms L319S, L348S, L351S, L263S, L454S, L143S, L267S, L402S.
Identifiers: ClinVar variation 135062 (VCV000135062.35), dbSNP rs587778615, ClinGen allele CA009549.
Genomic context (GRCh38, chr7:5,987,404, plus strand): 5'-GCCTCTTTCTGAGGTCTCAGGACGCCTTTGTCAGAGATGGCACCTGAAGTGCTAGAAGAC[AG>GA]CATACCCCTTTTCTGTCCTAGAGGGCTCCTTCTTGGTTCTGGAGTCTTTGGGCTGTGAGG-3'
Protein context (NP_000526.2, residues 444-464): RSPLGQKRGM[Leu454Ser]SSSTSGAISD

ClinVar aggregate classification (germline): Conflicting classifications of pathogenicity. Review status: criteria provided, conflicting classifications (1 of 4 stars). 10 submissions from 10 submitters: Uncertain significance (7); Likely benign (1). 2 of the submissions do not count toward it. Last evaluated 2026-01-14.

Conditions:
PMS2-related disorder. Also called: PMS2-related condition.
Hereditary nonpolyposis colorectal neoplasms. Identifiers: MedGen C0009405, MeSH D003123.
Breast and/or ovarian cancer. Identifiers: MedGen CN221562.
Hereditary cancer-predisposing syndrome. Also called: Tumor predisposition; Hereditary neoplastic syndrome; Neoplastic Syndromes, Hereditary; Hereditary Cancer Syndrome. Identifiers: Orphanet 140162, MedGen C0027672, MeSH D009386, MONDO:0015356.

Submissions (10):

Labcorp Genetics (formerly Invitae), Labcorp
Classification: Likely benign for Hereditary nonpolyposis colorectal neoplasms. Last evaluated: 2026-01-14. Review status: criteria provided, single submitter. Criteria: Invitae Variant Classification Sherloc (09022015). Collection method: clinical testing. Allele origin: germline.

Women's Health and Genetics/Laboratory Corporation of America, LabCorp
Classification: Uncertain significance. Last evaluated: 2025-12-16. Review status: criteria provided, single submitter. Criteria: LabCorp Variant Classification Summary - May 2015. Collection method: clinical testing. Allele origin: germline.
Comment: Variant summary: PMS2 c.1360_1361delinsTC (p.Leu454Ser) results in a non-conservative amino acid change in the encoded protein sequence. Algorithms developed to predict the effect of missense changes on protein structure and function all suggest that this variant is likely to be disruptive. The variant consists of two neighboring single nucleotide variant (SNVs) and these variants were found with about the same allele frequencies (i.e. ~1.4e-05) in 1607028 control chromosomes, predominantly at a frequency of 0.00015 within the South Asian subpopulation in the gnomAD database (v4.1 dataset). The observed variant frequency within South Asian control individuals in the gnomAD database exceeds the estimated maximal expected allele frequency for disease-causing variants in PMS2. However, this observation needs to be cautiously considered since sequence alignment analysis suggests that the variant lies within a region of the gene that has high homology with the PMS2 pseudogene. The variant, c.1360_1361delinsTC, has been observed in individuals affected with breast cancer (e.g. Uyisenga_2020, Dorling_2021), but was also found in healthy control(s) (Bodian_2014). In addition, the variant was also found in a cohort of patients with Lynch Syndrome related tumors, however microsatellite (MSI) and immunohistochemistry (IHC) analysis was reported as 'normal' in the associated tumor (Sjursen_2024). These report(s) do not provide unequivocal conclusions about association of the variant with Hereditary Nonpolyposis Colorectal Cancer. The following publications have been ascertained in the context of this evaluation (PMID: 33471991, 32959997, 39334433, 38851388, 24728327). ClinVar contains an entry for this variant (Variation ID: 135062). Based on the evidence outlined above, the variant was classified as uncertain significance.

Ambry Genetics
Classification: Uncertain significance for Hereditary cancer-predisposing syndrome. Last evaluated: 2025-10-23. Review status: criteria provided, single submitter. Criteria: Ambry Variant Classification Scheme 2023. Collection method: clinical testing. Allele origin: germline.
Comment: The c.1360_1361delCTinsTC variant (also known as p.L454S), located in coding exon 11 of the PMS2 gene, results from the deletion of CT and insertion of TC at nucleotide positions 1360 and 1361. This results in the substitution of the leucine residue codon 454 for serine, an amino acid with dissimilar properties. This amino acid position is poorly conserved in available vertebrate species. In addition, this alteration is predicted to be neutral by in silico analysis (Choi Y et al. PLoS ONE. 2012; 7(10):e46688). Since supporting evidence is limited at this time, the clinical significance of this alteration remains unclear.

GeneDx
Classification: Uncertain significance. Last evaluated: 2025-05-04. Review status: criteria provided, single submitter. Criteria: GeneDx Variant Classification Process June 2021. Collection method: clinical testing. Allele origin: germline. Affected: yes.
Comment: Not observed at significant frequency in large population cohorts (gnomAD); In silico analysis suggests that this variant does not alter protein structure/function; This variant is associated with the following publications: (PMID: 20186688, 25182477, 32959997, Akbar2022[Abstract-poster], 33471991, 24728327)

Color Diagnostics, LLC DBA Color Health
Classification: Uncertain significance for Hereditary cancer-predisposing syndrome. Last evaluated: 2025-03-25. Review status: criteria provided, single submitter. Criteria: ACMG Guidelines, 2015. Collection method: clinical testing. Allele origin: germline.
Comment: This missense variant replaces leucine with serine at codon 454 of the PMS2 protein. To our knowledge, functional studies have not been reported for this variant. This variant has not been reported in individuals affected with PMS2-related disorders in the literature. This variant has not been identified in the general population by the Genome Aggregation Database (gnomAD). The available evidence is insufficient to determine the role of this variant in disease conclusively. Therefore, this variant is classified as a Variant of Uncertain Significance.

Quest Diagnostics Nichols Institute San Juan Capistrano
Classification: Uncertain significance. Last evaluated: 2025-02-14. Review status: criteria provided, single submitter. Criteria: Quest Diagnostics criteria. Collection method: clinical testing. Allele origin: unknown.
Comment: The PMS2 c.1360_1361delinsTC (p.Leu454Ser) variant has been reported in the published literature in a reportedly healthy individual with no personal or family history of cancer (PMID: 24728327 (2014)). This variant has also been identified in individuals with breast cancer (PMID: 32959997 (2020), 33471991 (2021), see also LOVD). The frequency of this variant in the general population (Genome Aggregation Database) is uninformative in the assessment of its pathogenicity. Analysis of this variant using bioinformatics tools for the prediction of the effect of amino acid changes on protein structure and function yielded predictions that this variant is benign. Based on the available information, we are unable to determine the clinical significance of this variant.

CHEO Genetics Diagnostic Laboratory, Children's Hospital of Eastern Ontario
Classification: Uncertain significance for Breast and/or ovarian cancer. Last evaluated: 2023-06-09. Review status: criteria provided, single submitter. Criteria: ACMG Guidelines, 2015. Collection method: clinical testing. Allele origin: germline.

PreventionGenetics, part of Exact Sciences
Classification: Uncertain significance for PMS2-related condition. Last evaluated: 2022-10-05. Review status: criteria provided, single submitter. Criteria: ACMG Guidelines, 2015. Collection method: clinical testing. Allele origin: germline.
Comment: The PMS2 c.1360_1361delinsTC variant is predicted to result in an in-frame deletion and insertion. To our knowledge, this variant has not been reported in the literature in individuals with PMS2-related conditions or in a large population database, indicating this variant is rare. This variant is interpreted as uncertain in ClinVar. At this time, the clinical significance of this variant is uncertain due to the absence of conclusive functional and genetic evidence.

True Health Diagnostics
Classification: Uncertain significance for Hereditary cancer-predisposing syndrome. Last evaluated: 2017-08-22. Review status: no assertion criteria provided. Collection method: clinical testing. Allele origin: germline. Not counted in ClinVar's aggregate classification.

ITMI
No classification provided. Condition: AllHighlyPenetrant. Last evaluated: 2013-09-19. Review status: no classification provided. Collection method: reference population. Allele origin: germline. Not counted in ClinVar's aggregate classification.
Comment: Please see associated publication for description of ethnicities

Literature cited by the submitters: PubMed 24728327 (cited by 3 submitters); PubMed 33471991 (cited by Women's Health and Genetics/Laboratory Corporation of America, LabCorp and Quest Diagnostics Nichols Institute San Juan Capistrano); PubMed 32959997 (cited by Women's Health and Genetics/Laboratory Corporation of America, LabCorp and Quest Diagnostics Nichols Institute San Juan Capistrano); PubMed 39334433 (cited by Women's Health and Genetics/Laboratory Corporation of America, LabCorp); PubMed 38851388 (cited by Women's Health and Genetics/Laboratory Corporation of America, LabCorp).